The following is an entry in ClinVar:

ClinVar aggregate classification (germline): Uncertain significance (1 of 4 stars; one submission).

Submission:

Dasa
Classification: Uncertain significance. Last evaluated: 2025-04-30. Review status: criteria provided, single submitter. Criteria: DASA Assertion Criteria. Collection method: clinical testing. Allele origin: germline.
Comment: NM_001271.4(CHD2):c.3276G>C (p.Lys1092Asn) is a missense variant that results in the substitution of lysine with asparagine. This variant is absent from population databases. Computational prediction algorithms are consistent with a benign effect. The currently available literature and clinical evidence are not sufficient to establish a definitive association between this variant and the reported condition. Therefore, this variant is classified as a variant of uncertain significance.

NM_001271.4(CHD2):c.3276G>C (p.Lys1092Asn)

Gene: CHD2 (chromodomain helicase DNA binding protein 2; plus strand). Cytogenetic location: 15q26.1.
Variant type: single nucleotide variant.
Coding change: c.3276G>C on transcript NM_001271.4 (MANE Select); coding-DNA position 3276, G replaced by C.
Protein change: p.Lys1092Asn; replaces lysine 1092 with asparagine.
Molecular consequence: missense variant.
Genome position (GRCh38, 1-based): chr15:92,985,536, G>C. VCF-style: chr15-92985536-G-C. GRCh37 (hg19) VCF-style: chr15-93528766-G-C.
Other names: short protein forms K1092N.
Identifiers: ClinVar variation 5020960 (VCV005020960.1).
Genomic context (GRCh38, chr15:92,985,536, plus strand): 5'-ACTTTGCCTCGATCTTTCTCAGGCTCAGACAAATGACAGTGACTCTGACACTGAGTCTAA[G>C]AGGCAGGCCCAGAGATCCTCTGCTTCTGAGAGTGAAACGGAAGACTCTGATGATGACAAG-3'
Protein context (NP_001262.3, residues 1082-1102): TNDSDSDTES[Lys1092Asn]RQAQRSSASE